The following is an entry in ClinVar:

ClinVar aggregate classification (germline): Likely benign. Review status: criteria provided, single submitter (1 of 4 stars). 2 submissions from 2 submitters: Likely benign (1). 1 of the submissions does not count toward it. Last evaluated 2024-11-18.

Conditions:
EPAS1-related disorder. Also called: EPAS1-related condition.

Allele frequency attached by ClinVar (database versions not stated): gnomAD exomes 0.00116; ExAC 0.00205; gnomAD 0.00337 and 0.00358; ESP Exome Variant Server 0.58134.

Submissions (2):

Blueprint Genetics
Classification: Likely benign. Last evaluated: 2024-11-18. Review status: criteria provided, single submitter. Criteria: ACMG Guidelines, 2015. Collection method: clinical testing. Allele origin: germline.

PreventionGenetics, part of Exact Sciences
Classification: Benign for EPAS1-related condition. Last evaluated: 2019-10-31. Review status: no assertion criteria provided. Collection method: clinical testing. Allele origin: germline. Not counted in ClinVar's aggregate classification.
Comment: This variant is classified as benign based on ACMG/AMP sequence variant interpretation guidelines (Richards et al. 2015 PMID: 25741868, with internal and published modifications).

NM_001430.5(EPAS1):c.218-8_218-7dup

Gene: EPAS1 (endothelial PAS domain protein 1; plus strand). Cytogenetic location: 2p21.
Variant type: Duplication.
Coding change: c.218-8_218-7dup on transcript NM_001430.5 (MANE Select); 8 bases into the intron before coding-DNA position 218 through 7 bases into the intron before coding-DNA position 218, 2 bases duplicated (CT; older notation c.218-8_218-7dupCT).
Molecular consequence: intron variant.
Genome position (GRCh38, 1-based): chr2:46,356,143-46,356,144, CT duplicated. VCF-style (leftmost placement, unchanged base first): chr2-46356142-C-CCT. GRCh37 (hg19) VCF-style: chr2-46583281-C-CCT.
Identifiers: ClinVar variation 336244 (VCV000336244.8), dbSNP rs1553394876, ClinGen allele CA1644565.